The following is an entry in ClinVar:

ClinVar aggregate classification (germline): Likely benign. Review status: criteria provided, multiple submitters, no conflicts (2 of 4 stars). 2 submissions from 2 submitters: Likely benign (2). Last evaluated 2025-04-29.

Allele frequency attached by ClinVar (database versions not stated): gnomAD exomes below 0.00001 and 0.00001; ExAC 0.00001; gnomAD 0.00001.

Submissions (2):

Labcorp Genetics (formerly Invitae), Labcorp
Classification: Likely benign. Last evaluated: 2025-04-29. Review status: criteria provided, single submitter. Criteria: Invitae Variant Classification Sherloc (09022015). Collection method: clinical testing. Allele origin: germline.

GeneDx
Classification: Likely benign. Last evaluated: 2017-07-06. Review status: criteria provided, single submitter. Criteria: GeneDx Variant Classification (06012015). Collection method: clinical testing. Allele origin: germline. Affected: yes.
Comment: This variant is considered likely benign or benign based on one or more of the following criteria: it is a conservative change, it occurs at a poorly conserved position in the protein, it is predicted to be benign by multiple in silico algorithms, and/or has population frequency not consistent with disease.

NM_005654.6(NR2F1):c.1248T>A (p.Pro416=)

Gene: NR2F1 (nuclear receptor subfamily 2 group F member 1; plus strand). Cytogenetic location: 5q15.
Variant type: single nucleotide variant.
Coding change: c.1248T>A on transcript NM_005654.6 (MANE Select); coding-DNA position 1248, T replaced by A.
Protein change: p.Pro416=; no amino-acid change (proline 416 retained).
Molecular consequence: synonymous variant.
Genome position (GRCh38, 1-based): chr5:93,593,818, T>A. VCF-style: chr5-93593818-T-A. GRCh37 (hg19) VCF-style: chr5-92929524-T-A.
Identifiers: ClinVar variation 390765 (VCV000390765.2), dbSNP rs753642534, ClinGen allele CA3343257.